The following is an entry in ClinVar:

ClinVar aggregate classification (germline): Uncertain significance (1 of 4 stars; one submission).

Submission:

Women's Health and Genetics/Laboratory Corporation of America, LabCorp
Classification: Uncertain significance. Last evaluated: 2025-12-19. Review status: criteria provided, single submitter. Criteria: LabCorp Variant Classification Summary - May 2015. Collection method: clinical testing. Allele origin: germline.
Comment: Variant summary: TYR c.1342G>C (p.Asp448His) results in a non-conservative amino acid change in the encoded protein sequence. Algorithms developed to predict the effect of missense changes on protein structure and function all suggest that this variant is likely to be disruptive. The variant allele was found at a frequency of 4e-06 in 250176 control chromosomes (gnomAD). The available data on variant occurrences in the general population are insufficient to allow any conclusion about variant significance. To our knowledge, no occurrence of c.1342G>C in individuals affected with TYR-related conditions and no experimental evidence demonstrating its impact on protein function have been reported. No submitters have cited clinical-significance assessments for this variant to ClinVar. Based on the evidence outlined above, the variant was classified as uncertain significance.

NM_000372.5(TYR):c.1342G>C (p.Asp448His)

Gene: TYR (tyrosinase; plus strand). Cytogenetic location: 11q14.3.
Variant type: single nucleotide variant.
Coding change: c.1342G>C on transcript NM_000372.5 (MANE Select); coding-DNA position 1342, G replaced by C.
Protein change: p.Asp448His; replaces aspartic acid 448 with histidine.
Molecular consequence: missense variant.
Genome position (GRCh38, 1-based): chr11:89,284,930, G>C. VCF-style: chr11-89284930-G-C. GRCh37 (hg19) VCF-style: chr11-89018098-G-C.
Other names: short protein forms D448H.
Identifiers: ClinVar variation 4688937 (VCV004688937.1).